The following is an entry in ClinVar:

NM_001370259.2(MEN1):c.298G>A (p.Ala100Thr)

Gene: MEN1 (menin 1; minus strand). Cytogenetic location: 11q13.1.
Variant type: single nucleotide variant.
Coding change: c.298G>A on transcript NM_001370259.2 (MANE Select); coding-DNA position 298, G replaced by A.
Protein change: p.Ala100Thr; replaces alanine 100 with threonine.
Molecular consequence: missense variant. On other transcripts: non-coding transcript variant (4).
Genome position (GRCh38, 1-based): chr11:64,809,812, C>T on the plus strand (G>A on the coding strand, the complement: MEN1 is on the minus strand). VCF-style: chr11-64809812-C-T. GRCh37 (hg19) VCF-style: chr11-64577284-C-T.
Other names: c.298G>A, p.Ala100Thr (NM_000244.4, NM_001370251.2, NM_001370260.2 and 20 more transcripts); short protein forms A100T.
Identifiers: ClinVar variation 4646142 (VCV004646142.1).

ClinVar aggregate classification (germline): Uncertain significance (1 of 4 stars; one submission).

Conditions:
Hereditary cancer-predisposing syndrome. Also called: Neoplastic Syndromes, Hereditary; Tumor predisposition; Hereditary Cancer Syndrome; Hereditary neoplastic syndrome. Identifiers: Orphanet 140162, MedGen C0027672, MeSH D009386, MONDO:0015356.

Submission:

Ambry Genetics
Classification: Uncertain significance for Hereditary cancer-predisposing syndrome. Last evaluated: 2025-11-19. Review status: criteria provided, single submitter. Criteria: Ambry Variant Classification Scheme 2023. Collection method: clinical testing. Allele origin: germline.
Comment: The p.A100T variant (also known as c.298G>A), located in coding exon 1 of the MEN1 gene, results from a G to A substitution at nucleotide position 298. The alanine at codon 100 is replaced by threonine, an amino acid with similar properties. This amino acid position is highly conserved in available vertebrate species. In addition, the in silico prediction for this alteration is inconclusive. Based on the available evidence, the clinical significance of this variant remains unclear.